The following is an entry in ClinVar:

ClinVar aggregate classification (germline): Uncertain significance (1 of 4 stars; one submission).

Submission:

GeneDx
Classification: Uncertain significance. Last evaluated: 2023-07-14. Review status: criteria provided, single submitter. Criteria: GeneDx Variant Classification Process June 2021. Collection method: clinical testing. Allele origin: germline. Affected: yes.
Comment: Not observed at significant frequency in large population cohorts (gnomAD); In silico analysis supports that this missense variant has a deleterious effect on protein structure/function; Has not been previously published as pathogenic or benign to our knowledge

NM_015559.3(SETBP1):c.3617A>G (p.His1206Arg)

Gene: SETBP1 (SET binding protein 1; plus strand). Cytogenetic location: 18q12.3.
Variant type: single nucleotide variant.
Coding change: c.3617A>G on transcript NM_015559.3 (MANE Select); coding-DNA position 3617, A replaced by G.
Protein change: p.His1206Arg; replaces histidine 1206 with arginine.
Molecular consequence: missense variant.
Genome position (GRCh38, 1-based): chr18:44,952,957, A>G. VCF-style: chr18-44952957-A-G. GRCh37 (hg19) VCF-style: chr18-42532922-A-G.
Other names: c.3617A>G, p.His1206Arg (NM_001379141.1, NM_001379142.1, NM_001410862.1); short protein forms H1206R.
Identifiers: ClinVar variation 3361126 (VCV003361126.1).